The following is an entry in ClinVar:

ClinVar aggregate classification (germline): Pathogenic (1 of 4 stars; one submission).

Conditions:
Osteogenesis imperfecta type I (OI1). Also called: Lobstein disease; Osteogenesis imperfecta type 1; OI, TYPE I; OSTEOGENESIS IMPERFECTA TARDA; OSTEOGENESIS IMPERFECTA WITH BLUE SCLERAE; Lobstein's Disease. Identifiers: Orphanet 216796, Orphanet 666, MedGen C0023931, MONDO:0008146, OMIM 166200. Disease mechanism: loss of function.

Submission:

Labcorp Genetics (formerly Invitae), Labcorp
Classification: Pathogenic for Osteogenesis imperfecta type I. Last evaluated: 2018-01-22. Review status: criteria provided, single submitter. Criteria: Invitae Variant Classification Sherloc (09022015). Collection method: clinical testing. Allele origin: germline.
Comment: For these reasons, this variant has been classified as Pathogenic. Loss-of-function variants in COL1A1 are known to be pathogenic (PMID: 7942841, 9295084, 9443882). This variant has not been reported in the literature in individuals with COL1A1-related disease. This variant is not present in population databases (ExAC no frequency). This sequence change creates a premature translational stop signal (p.Arg1214Profs*25) in the COL1A1 gene. It is expected to result in an absent or disrupted protein product.

Literature cited by the submitters: PubMed 7942841; PubMed 9295084; PubMed 9443882.

NM_000088.4(COL1A1):c.3641del (p.Arg1214fs)

Gene: COL1A1 (collagen type I alpha 1 chain; minus strand). Cytogenetic location: 17q21.33.
Variant type: Deletion.
Coding change: c.3641del on transcript NM_000088.4 (MANE Select); coding-DNA position 3641, one base deleted (G; older notation c.3641delG).
Protein change: p.Arg1214fs; shifts the reading frame from arginine 1214.
Molecular consequence: frameshift variant.
Genome position (GRCh38, 1-based): chr17:50,186,813, C deleted on the plus strand (G on the coding strand, the reverse complement: COL1A1 is on the minus strand). VCF-style (leftmost placement, unchanged base first): chr17-50186812-GC-G. GRCh37 (hg19) VCF-style: chr17-48264173-GC-G.
Other names: c.3641delG (NM_000088.3); short protein forms R1214fs.
Identifiers: ClinVar variation 580848 (VCV000580848.7), dbSNP rs1567752926, ClinGen allele CA891843986.